The following is an entry in ClinVar:

NM_001127898.4(CLCN5):c.*6240G>C

Gene: CLCN5 (Cl-/H+ antiporter 5; plus strand). Cytogenetic location: Xp11.23.
Variant type: single nucleotide variant.
Coding change: c.*6240G>C on transcript NM_001127898.4 (MANE Select); 6240 bases downstream of the stop codon, G replaced by C.
Molecular consequence: 3 prime UTR variant.
Genome position (GRCh38, 1-based): chrX:50,098,459, G>C. VCF-style: chrX-50098459-G-C. GRCh37 (hg19) VCF-style: chrX-49863116-G-C.
Other names: c.*6240G>C (NM_000084.5, NM_001127899.4, NM_001282163.2).
Identifiers: ClinVar variation 368532 (VCV000368532.29), dbSNP rs782177733, ClinGen allele CA10651989.

ClinVar aggregate classification (germline): Conflicting classifications of pathogenicity. Review status: criteria provided, conflicting classifications (1 of 4 stars). 2 submissions from 2 submitters: Uncertain significance (1); Likely benign (1). Last evaluated 2022-12-01.

Conditions:
Dent disease type 1 (DENT1). Also called: NEPHROLITHIASIS 2; NEPHROLITHIASIS, HYPERCALCIURIC, X-LINKED. Identifiers: Orphanet 1652, Orphanet 93622, MedGen C1848336, MONDO:0010225, OMIM 300009.

Allele frequency attached by ClinVar (database versions not stated): 1000 Genomes Project 30x 0.00021; TOPMed 0.00071; gnomAD 0.00072 and 0.00073.

Submissions (2):

CeGaT Center for Human Genetics Tuebingen
Classification: Likely benign. Last evaluated: 2022-12-01. Review status: criteria provided, single submitter. Criteria: CeGaT Center For Human Genetics Tuebingen Variant Classification Criteria Version 2. Collection method: clinical testing. Allele origin: germline. Affected: yes. Observed: 1 variant allele.
Comment: CLCN5: BS2

Illumina Laboratory Services, Illumina
Classification: Uncertain significance for Dent disease type 1. Last evaluated: 2018-01-13. Review status: criteria provided, single submitter. Criteria: ICSL Variant Classification Criteria 13 December 2019. Collection method: clinical testing. Allele origin: germline.